The following is an entry in ClinVar:

ClinVar aggregate classification (germline): Uncertain significance. Review status: criteria provided, multiple submitters, no conflicts (2 of 4 stars). 2 submissions from 2 submitters: Uncertain significance (2). Last evaluated 2025-10-30.

Conditions:
Hereditary cancer-predisposing syndrome. Also called: Tumor predisposition; Hereditary neoplastic syndrome; Neoplastic Syndromes, Hereditary; Hereditary Cancer Syndrome. Identifiers: Orphanet 140162, MedGen C0027672, MeSH D009386, MONDO:0015356.

Submissions (2):

Labcorp Genetics (formerly Invitae), Labcorp
Classification: Uncertain significance. Last evaluated: 2025-10-30. Review status: criteria provided, single submitter. Criteria: Invitae Variant Classification Sherloc (09022015). Collection method: clinical testing. Allele origin: germline.
Comment: This sequence change replaces threonine, which is neutral and polar, with alanine, which is neutral and non-polar, at codon 928 of the MSH3 protein (p.Thr928Ala). This variant is not present in population databases (gnomAD no frequency). This variant has not been reported in the literature in individuals affected with MSH3-related conditions. ClinVar contains an entry for this variant (Variation ID: 861603). An algorithm developed to predict the effect of missense changes on protein structure and function (PolyPhen-2) suggests that this variant is likely to be tolerated. In summary, the available evidence is currently insufficient to determine the role of this variant in disease. Therefore, it has been classified as a Variant of Uncertain Significance.

Ambry Genetics
Classification: Uncertain significance for Hereditary cancer-predisposing syndrome. Last evaluated: 2023-08-31. Review status: criteria provided, single submitter. Criteria: Ambry Variant Classification Scheme 2023. Collection method: clinical testing. Allele origin: germline.
Comment: The p.T928A variant (also known as c.2782A>G), located in coding exon 20 of the MSH3 gene, results from an A to G substitution at nucleotide position 2782. The threonine at codon 928 is replaced by alanine, an amino acid with similar properties. This amino acid position is well conserved in available vertebrate species; however, alanine is the reference amino acid in other vertebrate species. In addition, this alteration is predicted to be tolerated by in silico analysis. Since supporting evidence is limited at this time, the clinical significance of this alteration remains unclear.

NM_002439.5(MSH3):c.2782A>G (p.Thr928Ala)

Gene: MSH3 (mutS homolog 3; plus strand). Cytogenetic location: 5q14.1.
Variant type: single nucleotide variant.
Coding change: c.2782A>G on transcript NM_002439.5 (MANE Select); coding-DNA position 2782, A replaced by G.
Protein change: p.Thr928Ala; replaces threonine 928 with alanine.
Molecular consequence: missense variant.
Genome position (GRCh38, 1-based): chr5:80,813,710, A>G. VCF-style: chr5-80813710-A-G. GRCh37 (hg19) VCF-style: chr5-80109529-A-G.
Other names: short protein forms T928A.
Identifiers: ClinVar variation 861603 (VCV000861603.12), dbSNP rs1745049883, ClinGen allele CA360274063.